The following is an entry in ClinVar:

NM_001032386.2(SUOX):c.881C>A (p.Ala294Asp)

Gene: SUOX (sulfite oxidase; plus strand). Cytogenetic location: 12q13.2.
Variant type: single nucleotide variant.
Coding change: c.881C>A on transcript NM_001032386.2 (MANE Select); coding-DNA position 881, C replaced by A.
Protein change: p.Ala294Asp; replaces alanine 294 with aspartic acid.
Molecular consequence: missense variant.
Genome position (GRCh38, 1-based): chr12:56,004,270, C>A. VCF-style: chr12-56004270-C-A. GRCh37 (hg19) VCF-style: chr12-56398054-C-A.
Other names: c.881C>A, p.Ala294Asp (NM_000456.3, NM_001032387.2); short protein forms A294D.
Identifiers: ClinVar variation 2109278 (VCV002109278.3), dbSNP rs1482201484, ClinGen allele CA385288919.

ClinVar aggregate classification (germline): Uncertain significance (1 of 4 stars; one submission).

Conditions:
Sulfite oxidase deficiency. Also called: Isolated sulfite oxidase deficiency. Identifiers: Orphanet 833, Orphanet 99731, MedGen C0268624, MONDO:0010089, OMIM 272300, HP:0003643.

Submission:

Labcorp Genetics (formerly Invitae), Labcorp
Classification: Uncertain significance for Sulfite oxidase deficiency. Last evaluated: 2022-07-26. Review status: criteria provided, single submitter. Criteria: Invitae Variant Classification Sherloc (09022015). Collection method: clinical testing. Allele origin: germline.
Comment: In summary, the available evidence is currently insufficient to determine the role of this variant in disease. Therefore, it has been classified as a Variant of Uncertain Significance. Algorithms developed to predict the effect of missense changes on protein structure and function are either unavailable or do not agree on the potential impact of this missense change (SIFT: "Deleterious"; PolyPhen-2: "Benign"; Align-GVGD: "Class C0"). This variant has not been reported in the literature in individuals affected with SUOX-related conditions. This variant is not present in population databases (gnomAD no frequency). This sequence change replaces alanine, which is neutral and non-polar, with aspartic acid, which is acidic and polar, at codon 294 of the SUOX protein (p.Ala294Asp).